The following is an entry in ClinVar:

ClinVar aggregate classification (germline): Benign (3 of 4 stars; one submission).

Conditions:
Breast-ovarian cancer, familial, susceptibility to, 1 (BROVCA1). Also called: BRCA1 Hereditary Breast and Ovarian Cancer; OVARIAN CANCER, SUSCEPTIBILITY TO. Identifiers: Orphanet 145, MedGen C2676676, MONDO:0011450, OMIM 604370. Disease mechanism: loss of function.

Allele frequency attached by ClinVar (database versions not stated): 1000 Genomes Project 30x 0.00265; gnomAD 0.00011 and 0.00052; TOPMed 0.00018; 1000 Genomes Project 0.00200.
gnomAD v4.1: 80 of 151,824 alleles (0.053%); highest among the groups gnomAD compares: South Asian, 1.3%; 2 homozygotes.

Submission:

Evidence-based Network for the Interpretation of Germline Mutant Alleles (ENIGMA)
Classification: Benign for Breast-ovarian cancer, familial, susceptibility to, 1. Last evaluated: 2016-09-28. Review status: reviewed by expert panel. Criteria: ENIGMA BRCA1/2 Classification Criteria (2015). Collection method: curation. Allele origin: germline.
Comment: Class 1 not pathogenic based on frequency >1% in an outbred sampleset. Frequency 0.0102 (South Asian), derived from 1000 genomes (2013-05-02).

NM_007294.4(BRCA1):c.441+2009G>A

Gene: BRCA1 (BRCA1 DNA repair associated; minus strand). Cytogenetic location: 17q21.31.
Variant type: single nucleotide variant.
Coding change: c.441+2009G>A on transcript NM_007294.4 (MANE Select); 2009 bases into the intron after coding-DNA position 441, G replaced by A.
Molecular consequence: intron variant.
Genome position (GRCh38, 1-based): chr17:43,102,113, C>T on the plus strand (G>A on the coding strand, the complement: BRCA1 is on the minus strand). VCF-style: chr17-43102113-C-T. GRCh37 (hg19) VCF-style: chr17-41254130-C-T.
Other names: c.441+2009G>A (NM_001407633.1, NM_001407615.1, NM_001407591.1 and 164 more transcripts); c.300+2009G>A (NM_001407724.1, NM_001407697.1, NM_001407838.1 and 99 more transcripts); c.363+2009G>A (NM_001408415.1, NM_001408475.1, NM_001407875.1 and 21 more transcripts); c.231+2009G>A (NM_001408483.1, NM_001407885.1, NM_001407886.1 and 58 more transcripts); c.-218-7253G>A (NM_001407967.1, NM_001407966.1); c.60+2009G>A (NM_001407959.1, NM_001407962.1, NM_001408512.1 and 4 more transcripts); c.309+2009G>A (NM_001408451.1); c.432+2009G>A (NM_001408408.1, NM_001407647.1, NM_001407646.1).
Identifiers: ClinVar variation 264779 (VCV000264779.2), dbSNP rs545752115, ClinGen allele CA10588234.